The following is an entry in ClinVar:

NM_000061.3(BTK):c.484_500del (p.Ala162fs)

Gene: BTK (Bruton tyrosine kinase; minus strand). Cytogenetic location: Xq22.1.
Variant type: Deletion.
Coding change: c.484_500del on transcript NM_000061.3 (MANE Select); coding-DNA positions 484 to 500, 17 bases deleted (GCTATGGGCTGCCAAAT).
Protein change: p.Ala162fs; shifts the reading frame from alanine 162.
Molecular consequence: frameshift variant.
Genome position (GRCh38, 1-based): chrX:101,362,581-101,362,597, ATTTGGCAGCCCATAGC deleted on the plus strand (GCTATGGGCTGCCAAAT on the coding strand, the reverse complement: BTK is on the minus strand); deleting any 17 consecutive bases within chrX:101,362,581-101,362,601 gives the same sequence; the c. name uses the placement nearest the transcript's 3' end. VCF-style (leftmost placement, unchanged base first): chrX-101362580-AATTTGGCAGCCCATAGC-A. GRCh37 (hg19) VCF-style: chrX-100617568-AATTTGGCAGCCCATAGC-A.
Other names: c.586_602del, p.Ala196fs (NM_001287344.2); c.484_500del, p.Ala162fs (NM_001287345.2); short protein forms A162fs, A196fs.
Identifiers: ClinVar variation 811751 (VCV000811751.8), dbSNP rs1603010333, ClinGen allele CA915951320.

ClinVar aggregate classification (germline): Likely pathogenic (1 of 4 stars; one submission).

Submission:

ARUP Laboratories, Molecular Genetics and Genomics, ARUP Laboratories
Classification: Likely pathogenic. Last evaluated: 2018-09-13. Review status: criteria provided, single submitter. Criteria: ARUP Molecular Germline Variant Investigation Process. Collection method: clinical testing. Allele origin: germline.
Comment: The BTK c.484_500del17; p.Ala162fs variant, to our knowledge, is not reported in the medical literature or gene specific databases. This variant is also absent from general population databases (Exome Variant Server, Genome Aggregation Database), indicating it is not a common polymorphism. This variant causes a frameshift by deleting 17 nucleotides, so it is predicted to result in a truncated protein or mRNA subject to nonsense-mediated decay. Based on available information, this variant is considered to be likely pathogenic.